The following is an entry in ClinVar:

ClinVar aggregate classification (germline): Uncertain significance (1 of 4 stars; one submission).

Submission:

Labcorp Genetics (formerly Invitae), Labcorp
Classification: Uncertain significance. Last evaluated: 2023-05-11. Review status: criteria provided, single submitter. Criteria: Invitae Variant Classification Sherloc (09022015). Collection method: clinical testing. Allele origin: germline.
Comment: In summary, the available evidence is currently insufficient to determine the role of this variant in disease. Therefore, it has been classified as a Variant of Uncertain Significance. An algorithm developed to predict the effect of missense changes on protein structure and function (PolyPhen-2) suggests that this variant is likely to be tolerated. This variant has not been reported in the literature in individuals affected with REST-related conditions. This sequence change replaces proline, which is neutral and non-polar, with leucine, which is neutral and non-polar, at codon 797 of the REST protein (p.Pro797Leu). The frequency data for this variant in the population databases is considered unreliable, as metrics indicate poor data quality at this position in the gnomAD database.

NM_005612.5(REST):c.2390_2391inv (p.Pro797Leu)

Gene: REST (RE1 silencing transcription factor; plus strand). Cytogenetic location: 4q12.
Variant type: Inversion.
Coding change: c.2390_2391inv on transcript NM_005612.5 (MANE Select).
Protein change: p.Pro797Leu; replaces proline 797 with leucine.
Molecular consequence: missense variant.
Genome position: GRCh38 VCF-style: chr4-56931248-CA-TG. GRCh37 (hg19) VCF-style: chr4-57797414-CA-TG.
Other names: c.2390_2391invCA, p.Pro797Leu (NM_001193508.2, NM_001363453.3); short protein forms P797L.
Identifiers: ClinVar variation 2895534 (VCV002895534.3), ClinGen allele CA2739265889.